The following is an entry in ClinVar:

ClinVar aggregate classification (germline): Uncertain significance (0 of 4 stars; one submission).

Conditions:
CHEK2-related disorder.

Submission:

PreventionGenetics, part of Exact Sciences
Classification: Uncertain significance for CHEK2-related condition. Last evaluated: 2023-12-19. Review status: no assertion criteria provided. Collection method: clinical testing. Allele origin: germline.
Comment: The CHEK2 c.428C>G variant is predicted to result in the amino acid substitution p.Pro143Arg. To our knowledge, this variant has not been reported in the literature or in a large population database, indicating this variant is rare. Of note, this variant affects the intron when annotated using the NM_007194.3 transcript (c.319+3963C>G). At this time, the clinical significance of this variant is uncertain due to the absence of conclusive functional and genetic evidence.

NM_007194.4(CHEK2):c.319+3963C>G

Gene: CHEK2 (checkpoint kinase 2; minus strand). Cytogenetic location: 22q12.1.
Variant type: single nucleotide variant.
Coding change: c.319+3963C>G on transcript NM_007194.4 (MANE Select); 3963 bases into the intron after coding-DNA position 319, C replaced by G.
Molecular consequence: intron variant. On other transcripts: missense variant (2).
Genome position (GRCh38, 1-based): chr22:28,730,440, G>C on the plus strand (C>G on the coding strand, the complement: CHEK2 is on the minus strand). VCF-style: chr22-28730440-G-C. GRCh37 (hg19) VCF-style: chr22-29126428-G-C.
Other names: c.428C>G, p.Pro143Arg (NM_001005735.3, NM_001438294.1); c.-344-5073C>G (NM_001437942.1); c.319+3963C>G (NM_001349956.3, NM_145862.3); c.-459+3963C>G (NM_001257387.3); c.412+16C>G (NM_001438295.1, NM_001438293.1); short protein forms P143R.
Identifiers: ClinVar variation 3036703 (VCV003036703.2), dbSNP rs2518099769, ClinGen allele CA411087922.